The following is an entry in ClinVar:

NM_001243226.3(TCF4):c.102A>G (p.Glu34=)

Gene: TCF4 (transcription factor 4; minus strand). Cytogenetic location: 18q21.2.
Variant type: single nucleotide variant.
Coding change: c.102A>G on transcript NM_001243226.3; coding-DNA position 102, A replaced by G.
Protein change: p.Glu34=; no amino-acid change (glutamic acid 34 retained).
Molecular consequence: synonymous variant.
Genome position (GRCh38, 1-based): chr18:55,635,796, T>C on the plus strand (A>G on the coding strand, the complement: TCF4 is on the minus strand). VCF-style: chr18-55635796-T-C. GRCh37 (hg19) VCF-style: chr18-53303027-T-C.
Identifiers: ClinVar variation 2648741 (VCV002648741.23), dbSNP rs775348334, ClinGen allele CA8970721.

ClinVar aggregate classification (germline): Likely benign. Review status: criteria provided, multiple submitters, no conflicts (2 of 4 stars). 2 submissions from 2 submitters: Likely benign (2). Last evaluated 2024-01-31.

Allele frequency attached by ClinVar (database versions not stated): ExAC 0.00006; gnomAD exomes 0.00003; gnomAD 0.00004; TOPMed 0.00005.
gnomAD v4.1: 43 of 1,552,458 alleles (0.0028%); highest among the groups gnomAD compares: Non-Finnish European, 0.0035%; no homozygotes.

Submissions (2):

Blueprint Genetics
Classification: Likely benign. Last evaluated: 2024-01-31. Review status: criteria provided, single submitter. Criteria: ACMG Guidelines, 2015. Collection method: clinical testing. Allele origin: germline.

CeGaT Center for Human Genetics Tuebingen
Classification: Likely benign. Last evaluated: 2023-02-01. Review status: criteria provided, single submitter. Criteria: CeGaT Center For Human Genetics Tuebingen Variant Classification Criteria Version 2. Collection method: clinical testing. Allele origin: germline. Affected: yes. Observed: 1 variant allele.
Comment: TCF4: BP4, BP7